The following is an entry in ClinVar:

ClinVar aggregate classification (germline): Conflicting classifications of pathogenicity. Review status: criteria provided, conflicting classifications (1 of 4 stars). 3 submissions from 3 submitters: Uncertain significance (1); Benign (1). 1 of the submissions does not count toward it. Last evaluated 2025-12-22.

Conditions:
Hereditary nonpolyposis colorectal neoplasms. Identifiers: MedGen C0009405, MeSH D003123.
Hereditary cancer-predisposing syndrome. Also called: Tumor predisposition; Hereditary neoplastic syndrome; Hereditary Cancer Syndrome; Neoplastic Syndromes, Hereditary. Identifiers: Orphanet 140162, MedGen C0027672, MeSH D009386, MONDO:0015356.

gnomAD v4.1: 3 of 1,614,158 alleles (0.00019%); highest among the groups gnomAD compares: South Asian, 0.0033%; no homozygotes.

Submissions (3):

Labcorp Genetics (formerly Invitae), Labcorp
Classification: Benign for Hereditary nonpolyposis colorectal neoplasms. Last evaluated: 2025-12-22. Review status: criteria provided, single submitter. Criteria: Invitae Variant Classification Sherloc (09022015). Collection method: clinical testing. Allele origin: germline.

Ambry Genetics
Classification: Uncertain significance for Hereditary cancer-predisposing syndrome. Last evaluated: 2025-06-12. Review status: criteria provided, single submitter. Criteria: Ambry Variant Classification Scheme 2023. Collection method: clinical testing. Allele origin: germline.
Comment: The p.T764S variant (also known as c.2291C>G), located in coding exon 4 of the MSH6 gene, results from a C to G substitution at nucleotide position 2291. The threonine at codon 764 is replaced by serine, an amino acid with similar properties. This amino acid position is not well conserved in available vertebrate species, and serine is the reference amino acid in other vertebrate species. In addition, this alteration is predicted to be tolerated by in silico analysis. Since supporting evidence is limited at this time, the clinical significance of this alteration remains unclear.

Department of Pathology and Laboratory Medicine, Sinai Health System
Classification: Uncertain significance. Review status: no assertion criteria provided. Collection method: clinical testing. Allele origin: unknown. Affected: yes. Study: The Canadian Open Genetics Repository (COGR). Not counted in ClinVar's aggregate classification.
Comment: The MSH6 p.Thr764Ser variant was not identified in the literature nor was it identified in the following databases: dbSNP, ClinVar, COGR, Cosmic, MutDB, UMD-LSDB, Insight Colon Cancer Gene, Zhejiang Colon Cancer, Mismatch Repair Genes, or the Insight Hereditary Tumors Databases. The variant was identified in control databases in 3 of 245886 chromosomes at a frequency of 0.00001 increasing the likelihood that this may be a low frequency variant in certain populations of origin (Genome Aggregation Consortium Feb 27, 2017); it was observed in the South Asian population in 3 of 30782 chromosomes and was not seen in other populations. The p.Thr764 residue is not conserved in mammals and computational analyses (PolyPhen-2, SIFT, AlignGVGD, BLOSUM, MutationTaster) do not suggest a high likelihood to impact the protein; however, this information is not predictive enough to rule out pathogenicity. The variant occurs outside of the splicing consensus sequence and 1 of 5 in silico or computational prediction software programs (SpliceSiteFinder, MaxEntScan, NNSPLICE, GeneSplicer, HumanSpliceFinder) predict a greater than 10% difference in splicing; this is not very predictive of pathogenicity. In summary, based on the above information the clinical significance of this variant cannot be determined with certainty at this time. This variant is classified as a variant of uncertain significance.

NM_000179.3(MSH6):c.2291C>G (p.Thr764Ser)

Gene: MSH6 (mutS homolog 6; plus strand). Cytogenetic location: 2p16.3.
Variant type: single nucleotide variant.
Coding change: c.2291C>G on transcript NM_000179.3 (MANE Select); coding-DNA position 2291, C replaced by G.
Protein change: p.Thr764Ser; replaces threonine 764 with serine.
Molecular consequence: missense variant.
Genome position (GRCh38, 1-based): chr2:47,800,274, C>G. VCF-style: chr2-47800274-C-G. GRCh37 (hg19) VCF-style: chr2-48027413-C-G.
Other names: c.1901C>G, p.Thr634Ser (NM_001281492.2); c.1385C>G, p.Thr462Ser (NM_001281493.2, NM_001281494.2); c.2291C>G (NM_000179.2); short protein forms T462S, T634S, T764S.
Identifiers: ClinVar variation 1049172 (VCV001049172.6), dbSNP rs561198849, ClinGen allele CA10654940.